The following is an entry in ClinVar:

NM_006180.6(NTRK2):c.1840G>A (p.Glu614Lys)

Gene: NTRK2 (neurotrophic receptor tyrosine kinase 2; plus strand). Cytogenetic location: 9q21.33.
Variant type: single nucleotide variant.
Coding change: c.1840G>A on transcript NM_006180.6 (MANE Select); coding-DNA position 1840, G replaced by A.
Protein change: p.Glu614Lys; replaces glutamic acid 614 with lysine.
Molecular consequence: missense variant.
Genome position (GRCh38, 1-based): chr9:84,948,537, G>A. VCF-style: chr9-84948537-G-A. GRCh37 (hg19) VCF-style: chr9-87563452-G-A.
Other names: c.1792G>A, p.Glu598Lys (NM_001018064.3, NM_001369532.1, NM_001369533.1); c.1756G>A, p.Glu586Lys (NM_001369534.1); c.1324G>A, p.Glu442Lys (NM_001369535.1); c.1372G>A, p.Glu458Lys (NM_001369536.1); short protein forms E586K, E598K, E614K, E442K, E458K.
Identifiers: ClinVar variation 4993555 (VCV004993555.1).

ClinVar aggregate classification (germline): Uncertain significance (1 of 4 stars; one submission).

Conditions:
NTRK2-related disorder. Also called: NTRK2-related condition.

gnomAD v4.1: 1 of 1,614,094 alleles (0.000062%); no homozygotes.

Submission:

PreventionGenetics, part of Exact Sciences
Classification: Uncertain significance for NTRK2-related condition. Last evaluated: 2026-03-13. Review status: criteria provided, single submitter. Criteria: ACMG Guidelines, 2015. Collection method: clinical testing. Allele origin: germline.
Comment: The NTRK2 c.1840G>A variant is predicted to result in the amino acid substitution p.Glu614Lys. To our knowledge, this variant has not been reported in the literature or in a large population database (gnomAD), indicating this variant is rare. At this time, the clinical significance of this variant is uncertain due to the absence of conclusive functional and genetic evidence.